The following is an entry in ClinVar:

NM_024605.4(ARHGAP10):c.716T>A (p.Phe239Tyr)

Gene: ARHGAP10 (Rho GTPase activating protein 10; plus strand). Cytogenetic location: 4q31.23.
Variant type: single nucleotide variant.
Coding change: c.716T>A on transcript NM_024605.4 (MANE Select); coding-DNA position 716, T replaced by A.
Protein change: p.Phe239Tyr; replaces phenylalanine 239 with tyrosine.
Molecular consequence: missense variant.
Genome position (GRCh38, 1-based): chr4:147,875,034, T>A. VCF-style: chr4-147875034-T-A. GRCh37 (hg19) VCF-style: chr4-148796185-T-A.
Other names: short protein forms F239Y.
Identifiers: ClinVar variation 120311 (VCV000120311.1), dbSNP rs483352827, ClinGen allele CA230650.

ClinVar aggregate classification (germline): not provided (0 of 4 stars; one submission).

Allele frequency attached by ClinVar (database versions not stated): gnomAD exomes below 0.00001 and 0.00004; gnomAD 0.00001.
gnomAD v4.1: 24 of 1,589,906 alleles (0.0015%); highest among the groups gnomAD compares: East Asian, 0.052%; no homozygotes.

Submission:

Department of Psychiatry, Nagoya University
No classification provided. Review status: no classification provided. Collection method: not provided. Allele origin: somatic.